The following is an entry in ClinVar:

NM_001267550.2(TTN):c.102736C>T (p.Arg34246Cys)

Genes: TTN (titin; minus strand), TTN-AS1 (TTN antisense RNA 1; plus strand). Cytogenetic location: 2q31.2.
Variant type: single nucleotide variant.
Coding change: c.102736C>T on transcript NM_001267550.2 (MANE Select); coding-DNA position 102736, C replaced by T.
Protein change: p.Arg34246Cys; replaces arginine 34246 with cysteine.
Molecular consequence: missense variant.
Genome position (GRCh38, 1-based): chr2:178,533,879, G>A on the plus strand (C>T on the coding strand, the complement: TTN is on the minus strand). VCF-style: chr2-178533879-G-A. GRCh37 (hg19) VCF-style: chr2-179398606-G-A.
Other names: c.97813C>T, p.Arg32605Cys (NM_001256850.1); c.75541C>T, p.Arg25181Cys (NM_003319.4); c.95032C>T, p.Arg31678Cys (NM_133378.4); c.75916C>T, p.Arg25306Cys (NM_133432.3); c.76117C>T, p.Arg25373Cys (NM_133437.4); short protein forms R31678C, R34246C, R25306C, R32605C, R25181C, R25373C.
Identifiers: ClinVar variation 501768 (VCV000501768.54), dbSNP rs879047941, ClinGen allele CA60959011.
Genomic context (GRCh38, chr2:178,533,879, plus strand): 5'-TATAGAGAGGCAGGGTAAATTCTGGTGGCCTTTCCAGGAGTCTCATTGTGTCTGTTCTGC[G>A]CTTAATTTTCTTCATGGTTCTACGGCAGTAATAGTCATAGACTTCTCTCACACCTTTAAC-3'
Protein context (NP_001254479.2, residues 34236-34256): YCRRTMKKIK[Arg34246Cys]RTDTMRLLER

ClinVar aggregate classification (germline): Uncertain significance. Review status: criteria provided, multiple submitters, no conflicts (2 of 4 stars). 4 submissions from 4 submitters: Uncertain significance (4). Last evaluated 2026-01-20.

Conditions:
Dilated cardiomyopathy 1G (CMD1G). Identifiers: Orphanet 154, MedGen C1858763, MONDO:0011400, OMIM 604145.
Autosomal recessive limb-girdle muscular dystrophy type 2J (LGMDR10). Also called: Limb-girdle muscular dystrophy, type 2J; MUSCULAR DYSTROPHY, LIMB-GIRDLE, AUTOSOMAL RECESSIVE 10. Identifiers: Orphanet 140922, MedGen C1837342, MONDO:0012127, OMIM 608807.
TTN-related disorder. Also called: TTN-related condition; TTN-related disease; TTN-related disorders.

Allele frequency attached by ClinVar (database versions not stated): gnomAD exomes 0.00001 and 0.00003; TOPMed 0.00004; gnomAD 0.00005 and 0.00006.
gnomAD v4.1: 55 of 1,613,678 alleles (0.0034%); highest among the groups gnomAD compares: Admixed American, 0.0083%; no homozygotes.

Submissions (4):

PreventionGenetics, part of Exact Sciences
Classification: Uncertain significance for TTN-related condition. Last evaluated: 2026-01-20. Review status: criteria provided, single submitter. Criteria: ACMG Guidelines, 2015. Collection method: clinical testing. Allele origin: germline.
Comment: The TTN c.102736C>T variant is predicted to result in the amino acid substitution p.Arg34246Cys. This variant has been reported as a variant of uncertain significance in an individual with dilated cardiomyopathy (Table S2, Tobita et al. 2018. PubMed ID: 29386531). This variant is reported in 0.0057% of alleles in individuals of Latino descent in gnomAD. At this time, the clinical significance of this variant is uncertain due to the absence of conclusive functional and genetic evidence.

Labcorp Genetics (formerly Invitae), Labcorp
Classification: Uncertain significance for Dilated cardiomyopathy 1G; Autosomal recessive limb-girdle muscular dystrophy type 2J. Last evaluated: 2026-01-19. Review status: criteria provided, single submitter. Criteria: Invitae Variant Classification Sherloc (09022015). Collection method: clinical testing. Allele origin: germline.
Comment: This sequence change replaces arginine, which is basic and polar, with cysteine, which is neutral and slightly polar, at codon 34246 of the TTN protein (p.Arg34246Cys). This variant is present in population databases (no rsID available, gnomAD 0.006%). This variant has not been reported in the literature in individuals affected with TTN-related conditions. ClinVar contains an entry for this variant (Variation ID: 501768). Experimental studies and prediction algorithms are not available or were not evaluated, and the functional significance of this variant is currently unknown. This variant is located in the M band of TTN (PMID: 25589632). Non-truncating variants in this region may be relevant for neuromuscular disorders, but have not been definitively shown to cause cardiomyopathy (PMID: 23975875). In summary, the available evidence is currently insufficient to determine the role of this variant in disease. Therefore, it has been classified as a Variant of Uncertain Significance.

CeGaT Center for Human Genetics Tuebingen
Classification: Uncertain significance. Last evaluated: 2018-07-01. Review status: criteria provided, single submitter. Criteria: CeGaT Center For Human Genetics Tuebingen Variant Classification Criteria Version 2. Collection method: clinical testing. Allele origin: germline. Affected: yes. Observed: 1 variant allele.

Eurofins Ntd Llc (ga)
Classification: Uncertain significance. Last evaluated: 2017-05-05. Review status: criteria provided, single submitter. Criteria: EGL Classification Definitions 2015. Collection method: clinical testing. Allele origin: germline. Observed: 1 variant allele, 1 heterozygote.

Literature cited by the submitters: PubMed 25589632 (cited by Labcorp Genetics (formerly Invitae), Labcorp); PubMed 23975875 (cited by Labcorp Genetics (formerly Invitae), Labcorp).